The following is an entry in ClinVar:

ClinVar aggregate classification (germline): Uncertain significance (1 of 4 stars; one submission).

Conditions:
Retinoblastoma (RB1). Also called: RETINOBLASTOMA, SOMATIC. Identifiers: Orphanet 790, MedGen C0035335, MeSH D012175, MONDO:0008380, OMIM 180200, HP:0009919. Disease mechanism: loss of function. Inheritance: Both sporadic and heritable forms are tested..

Submission:

Labcorp Genetics (formerly Invitae), Labcorp
Classification: Uncertain significance for Retinoblastoma. Last evaluated: 2021-12-15. Review status: criteria provided, single submitter. Criteria: Invitae Variant Classification Sherloc (09022015). Collection method: clinical testing. Allele origin: germline.
Comment: In summary, the available evidence is currently insufficient to determine the role of this variant in disease. Therefore, it has been classified as a Variant of Uncertain Significance. Algorithms developed to predict the effect of missense changes on protein structure and function (SIFT, PolyPhen-2, Align-GVGD) all suggest that this variant is likely to be tolerated. This sequence change replaces asparagine, which is neutral and polar, with lysine, which is basic and polar, at codon 867 of the RB1 protein (p.Asn867Lys). This variant is not present in population databases (gnomAD no frequency). This variant has not been reported in the literature in individuals affected with RB1-related conditions.

NM_000321.3(RB1):c.2601C>A (p.Asn867Lys)

Gene: RB1 (RB transcriptional corepressor 1; plus strand). Cytogenetic location: 13q14.2.
Variant type: single nucleotide variant.
Coding change: c.2601C>A on transcript NM_000321.3 (MANE Select); coding-DNA position 2601, C replaced by A.
Protein change: p.Asn867Lys; replaces asparagine 867 with lysine.
Molecular consequence: missense variant.
Genome position (GRCh38, 1-based): chr13:48,476,781, C>A. VCF-style: chr13-48476781-C-A. GRCh37 (hg19) VCF-style: chr13-49050917-C-A.
Other names: short protein forms N867K.
Identifiers: ClinVar variation 1355996 (VCV001355996.6), dbSNP rs1566240970, ClinGen allele CA388157415.